The following is an entry in ClinVar:

NM_016219.5(MAN1B1):c.329C>T (p.Ala110Val)

Gene: MAN1B1 (mannosidase alpha class 1B member 1; plus strand). Cytogenetic location: 9q34.3.
Variant type: single nucleotide variant.
Coding change: c.329C>T on transcript NM_016219.5 (MANE Select); coding-DNA position 329, C replaced by T.
Protein change: p.Ala110Val; replaces alanine 110 with valine.
Molecular consequence: missense variant. On other transcripts: non-coding transcript variant (2).
Genome position (GRCh38, 1-based): chr9:137,088,869, C>T. VCF-style: chr9-137088869-C-T. GRCh37 (hg19) VCF-style: chr9-139983321-C-T.
Other names: c.221C>T, p.Ala74Val (NM_007230.1); short protein forms A110V, A74V.
Identifiers: ClinVar variation 1923250 (VCV001923250.5), dbSNP rs1489891522, ClinGen allele CA375672838.

ClinVar aggregate classification (germline): Uncertain significance (1 of 4 stars; one submission).

Conditions:
Rafiq syndrome (RAFQS). Identifiers: Orphanet 88616, MedGen C3280127, MONDO:0013624, OMIM 614202.

Allele frequency attached by ClinVar (database versions not stated): gnomAD exomes below 0.00001.
gnomAD v4.1: 5 of 1,613,912 alleles (0.00031%); highest among the groups gnomAD compares: Non-Finnish European, 0.00042%; no homozygotes.

Submission:

Labcorp Genetics (formerly Invitae), Labcorp
Classification: Uncertain significance for Rafiq syndrome. Last evaluated: 2022-01-10. Review status: criteria provided, single submitter. Criteria: Invitae Variant Classification Sherloc (09022015). Collection method: clinical testing. Allele origin: germline.
Comment: In summary, the available evidence is currently insufficient to determine the role of this variant in disease. Therefore, it has been classified as a Variant of Uncertain Significance. Algorithms developed to predict the effect of missense changes on protein structure and function (SIFT, PolyPhen-2, Align-GVGD) all suggest that this variant is likely to be tolerated. This variant has not been reported in the literature in individuals affected with MAN1B1-related conditions. This variant is present in population databases (no rsID available, gnomAD 0.0009%). This sequence change replaces alanine, which is neutral and non-polar, with valine, which is neutral and non-polar, at codon 110 of the MAN1B1 protein (p.Ala110Val).